The following is an entry in ClinVar:

ClinVar aggregate classification (germline): Uncertain significance (1 of 4 stars; one submission).

Submission:

GeneDx
Classification: Uncertain significance. Last evaluated: 2025-01-27. Review status: criteria provided, single submitter. Criteria: GeneDx Variant Classification Process June 2021. Collection method: clinical testing. Allele origin: germline. Affected: yes.
Comment: Not observed at significant frequency in large population cohorts (gnomAD); In silico analysis supports that this missense variant has a deleterious effect on protein structure/function; Has not been previously published as pathogenic or benign to our knowledge

NM_181303.2(NLGN3):c.311C>G (p.Pro104Arg)

Gene: NLGN3 (neuroligin 3; plus strand). Cytogenetic location: Xq13.1.
Variant type: single nucleotide variant.
Coding change: c.311C>G on transcript NM_181303.2 (MANE Select); coding-DNA position 311, C replaced by G.
Protein change: p.Pro104Arg; replaces proline 104 with arginine.
Molecular consequence: missense variant. On other transcripts: intron variant (1).
Genome position (GRCh38, 1-based): chrX:71,148,060, C>G. VCF-style: chrX-71148060-C-G. GRCh37 (hg19) VCF-style: chrX-70367910-C-G.
Other names: c.311C>G, p.Pro104Arg (NM_001166660.2, NM_018977.4); c.-38-3C>G (NM_001321276.2); short protein forms P104R.
Identifiers: ClinVar variation 4071849 (VCV004071849.1).